The following is an entry in ClinVar:

NM_000051.4(ATM):c.6347+5G>A

Genes: ATM (ATM serine/threonine kinase; plus strand), C11orf65 (chromosome 11 open reading frame 65; minus strand). Cytogenetic location: 11q22.3.
Variant type: single nucleotide variant.
Coding change: c.6347+5G>A on transcript NM_000051.4 (MANE Select); 5 bases into the intron after coding-DNA position 6347, G replaced by A.
Molecular consequence: intron variant.
Genome position (GRCh38, 1-based): chr11:108,317,526, G>A. VCF-style: chr11-108317526-G-A. GRCh37 (hg19) VCF-style: chr11-108188253-G-A.
Other names: c.6347+5G>A (NM_001351834.2); c.641-8455C>T (NM_001330368.2); c.*39-8455C>T (NM_001351110.2).
Identifiers: ClinVar variation 3801819 (VCV003801819.1).

ClinVar aggregate classification (germline): Uncertain significance (1 of 4 stars; one submission).

Conditions:
Hereditary cancer-predisposing syndrome. Also called: Neoplastic Syndromes, Hereditary; Tumor predisposition; Hereditary Cancer Syndrome; Hereditary neoplastic syndrome. Identifiers: Orphanet 140162, MedGen C0027672, MeSH D009386, MONDO:0015356.

Submission:

Ambry Genetics
Classification: Uncertain significance for Hereditary cancer-predisposing syndrome. Last evaluated: 2025-01-29. Review status: criteria provided, single submitter. Criteria: Ambry Variant Classification Scheme 2023. Collection method: clinical testing. Allele origin: germline.
Comment: The c.6347+5G>A intronic variant results from a G to A substitution 5 nucleotides after coding exon 42 in the ATM gene. This nucleotide position is well conserved in available vertebrate species. In silico splice site analysis predicts that this alteration will not have any significant effect on splicing. Based on the available evidence, the clinical significance of this variant remains unclear.